The following is an entry in ClinVar:

ClinVar aggregate classification (germline): Uncertain significance. Review status: criteria provided, multiple submitters, no conflicts (2 of 4 stars). 2 submissions from 2 submitters: Uncertain significance (2). Last evaluated 2022-07-26.

Conditions:
Brown-Vialetto-van Laere syndrome 2. Also called: SPINOCEREBELLAR ATAXIA WITH BLINDNESS AND DEAFNESS 2; Riboflavin transporter deficiency type 2. Identifiers: Orphanet 572543, Orphanet 97229, MedGen C3553538, MONDO:0013867, OMIM 614707.

Allele frequency attached by ClinVar (database versions not stated): ESP Exome Variant Server 0.00008; gnomAD 0.00008 and 0.00009; ExAC 0.00003; TOPMed 0.00007.
gnomAD v4.1: 17 of 1,612,668 alleles (0.0011%); highest among the groups gnomAD compares: African/African-American, 0.023%; no homozygotes.

Submissions (2):

Labcorp Genetics (formerly Invitae), Labcorp
Classification: Uncertain significance for Brown-Vialetto-van Laere syndrome 2. Last evaluated: 2022-07-26. Review status: criteria provided, single submitter. Criteria: Invitae Variant Classification Sherloc (09022015). Collection method: clinical testing. Allele origin: germline.
Comment: This sequence change replaces alanine, which is neutral and non-polar, with proline, which is neutral and non-polar, at codon 237 of the SLC52A2 protein (p.Ala237Pro). In summary, the available evidence is currently insufficient to determine the role of this variant in disease. Therefore, it has been classified as a Variant of Uncertain Significance. Advanced modeling of protein sequence and biophysical properties (such as structural, functional, and spatial information, amino acid conservation, physicochemical variation, residue mobility, and thermodynamic stability) performed at Invitae indicates that this missense variant is not expected to disrupt SLC52A2 protein function. ClinVar contains an entry for this variant (Variation ID: 658858). This variant has not been reported in the literature in individuals affected with SLC52A2-related conditions. This variant is present in population databases (rs373923619, gnomAD 0.03%).

Fulgent Genetics
Classification: Uncertain significance for Brown-Vialetto-van Laere syndrome 2. Last evaluated: 2022-01-19. Review status: criteria provided, single submitter. Criteria: ACMG Guidelines, 2015. Collection method: clinical testing. Allele origin: unknown.

NM_001363118.2(SLC52A2):c.709G>C (p.Ala237Pro)

Gene: SLC52A2 (solute carrier family 52 member 2; plus strand). Cytogenetic location: 8q24.3.
Variant type: single nucleotide variant.
Coding change: c.709G>C on transcript NM_001363118.2 (MANE Select); coding-DNA position 709, G replaced by C.
Protein change: p.Ala237Pro; replaces alanine 237 with proline.
Molecular consequence: missense variant. On other transcripts: non-coding transcript variant (1).
Genome position (GRCh38, 1-based): chr8:144,360,201, G>C. VCF-style: chr8-144360201-G-C. GRCh37 (hg19) VCF-style: chr8-145583861-G-C.
Other names: c.709G>C, p.Ala237Pro (NM_001253815.2, NM_001253816.2, NM_001363120.2 and 2 more transcripts); c.217G>C, p.Ala73Pro (NM_001363122.2); short protein forms A237P, A73P.
Identifiers: ClinVar variation 658858 (VCV000658858.5), dbSNP rs373923619, ClinGen allele CA4938263.
Genomic context (GRCh38, chr8:144,360,201, plus strand): 5'-CTGTTGCCGCCACCACCATCTGTACCCACAGGGGAGTTAGGATCAGGCCTCCAGGTGGGA[G>C]CCCCAGGAGCAGAGGAAGAGGTGGAAGAGTCCTCACCACTGCAAGAGCCACCAAGCCAGG-3'
Protein context (NP_001350047.1, residues 227-247): GELGSGLQVG[Ala237Pro]PGAEEEVEES